The following is an entry in ClinVar:

NM_015021.3(ZNF292):c.923C>T (p.Pro308Leu)

Gene: ZNF292 (zinc finger protein 292; plus strand). Cytogenetic location: 6q14.3.
Variant type: single nucleotide variant.
Coding change: c.923C>T on transcript NM_015021.3 (MANE Select); coding-DNA position 923, C replaced by T.
Protein change: p.Pro308Leu; replaces proline 308 with leucine.
Molecular consequence: missense variant.
Genome position (GRCh38, 1-based): chr6:87,245,547, C>T. VCF-style: chr6-87245547-C-T. GRCh37 (hg19) VCF-style: chr6-87955265-C-T.
Other names: c.503C>T, p.Pro168Leu (NM_001351444.2); short protein forms P168L, P308L.
Identifiers: ClinVar variation 3899822 (VCV003899822.1).

ClinVar aggregate classification (germline): Uncertain significance (1 of 4 stars; one submission).

Submission:

GeneDx
Classification: Uncertain significance. Last evaluated: 2024-11-15. Review status: criteria provided, single submitter. Criteria: GeneDx Variant Classification Process June 2021. Collection method: clinical testing. Allele origin: germline. Affected: yes.
Comment: Not observed at significant frequency in large population cohorts (gnomAD); In silico analysis supports that this missense variant has a deleterious effect on protein structure/function; Has not been previously published as pathogenic or benign to our knowledge